The following is an entry in ClinVar:

ClinVar aggregate classification (germline): Benign/Likely benign. Review status: criteria provided, multiple submitters, no conflicts (2 of 4 stars). 9 submissions from 9 submitters: Benign (2); Likely benign (6). 1 of the submissions does not count toward it. Last evaluated 2025-11-28.

Conditions:
Inborn genetic diseases. Identifiers: MedGen C0950123, MeSH D030342.
Autosomal dominant cerebellar ataxia. Also called: Spinocerebellar Ataxia, Dominant. Identifiers: Orphanet 99, MedGen C4087347, MONDO:0020380.
ITPR1-related disorder. Also called: ITPR1-related condition.

Allele frequency attached by ClinVar (database versions not stated): gnomAD 0.00031 and 0.00033; TOPMed 0.00038; ESP Exome Variant Server 0.00039; 1000 Genomes Project 0.00040; gnomAD exomes 0.00047; 1000 Genomes Project 30x 0.00062; ExAC 0.00099.
gnomAD v4.1: 658 of 1,560,426 alleles (0.042%); highest among the groups gnomAD compares: Middle Eastern, 1.1%; 2 homozygotes.

Submissions (9):

Labcorp Genetics (formerly Invitae), Labcorp
Classification: Likely benign. Last evaluated: 2025-11-28. Review status: criteria provided, single submitter. Criteria: Invitae Variant Classification Sherloc (09022015). Collection method: clinical testing. Allele origin: germline.

CeGaT Center for Human Genetics Tuebingen
Classification: Likely benign. Last evaluated: 2025-06-01. Review status: criteria provided, single submitter. Criteria: CeGaT Center For Human Genetics Tuebingen Variant Classification Criteria Version 2. Collection method: clinical testing. Allele origin: germline. Affected: yes. Observed: 4 variant alleles.
Comment: ITPR1: BP4, BP7

Blueprint Genetics
Classification: Likely benign. Last evaluated: 2024-11-20. Review status: criteria provided, single submitter. Criteria: ACMG Guidelines, 2015. Collection method: clinical testing. Allele origin: germline.

Ambry Genetics
Classification: Likely benign for Inborn genetic diseases. Last evaluated: 2022-04-27. Review status: criteria provided, single submitter. Criteria: Ambry Variant Classification Scheme 2023. Collection method: clinical testing. Allele origin: germline.

GeneDx
Classification: Likely benign. Last evaluated: 2021-05-19. Review status: criteria provided, single submitter. Criteria: GeneDx Variant Classification Process June 2021. Collection method: clinical testing. Allele origin: germline. Affected: yes.

Athena Diagnostics
Classification: Benign. Last evaluated: 2021-02-11. Review status: criteria provided, single submitter. Criteria: Athena Diagnostics criteria. Collection method: clinical testing. Allele origin: unknown.

Illumina Laboratory Services, Illumina
Classification: Benign for Spinocerebellar Ataxia, Dominant. Last evaluated: 2018-01-13. Review status: criteria provided, single submitter. Criteria: ICSL Variant Classification Criteria 13 December 2019. Collection method: clinical testing. Allele origin: germline.
Comment: This variant was observed in the ICSL laboratory as part of a predisposition screen in an ostensibly healthy population. It had not been previously curated by ICSL or reported in the Human Gene Mutation Database (HGMD: prior to June 1st, 2018), and was therefore a candidate for classification through an automated scoring system. Utilizing variant allele frequency, disease prevalence and penetrance estimates, and inheritance mode, an automated score was calculated to assess if this variant is too frequent to cause the disease. Based on the score and internal cut-off values, a variant classified as benign is not then subjected to further curation. The score for this variant resulted in a classification of benign for this disease.

Breakthrough Genomics
Classification: Likely benign. Review status: criteria provided, single submitter. Criteria: ACMG Guidelines, 2015. Collection method: not provided. Allele origin: germline. Inheritance: Autosomal dominant inheritance. Affected: yes.

PreventionGenetics, part of Exact Sciences
Classification: Likely benign for ITPR1-related condition. Last evaluated: 2019-12-16. Review status: no assertion criteria provided. Collection method: clinical testing. Allele origin: germline. Not counted in ClinVar's aggregate classification.
Comment: This variant is classified as likely benign based on ACMG/AMP sequence variant interpretation guidelines (Richards et al. 2015 PMID: 25741868, with internal and published modifications).

NM_001378452.1(ITPR1):c.4854C>T (p.Ser1618=)

Genes: BRRIAR (BHLHE40 and RIG-I regulating ITPR1 antisense RNA; minus strand), ITPR1 (inositol 1,4,5-trisphosphate receptor type 1; plus strand). Cytogenetic location: 3p26.1.
Variant type: single nucleotide variant.
Coding change: c.4854C>T on transcript NM_001378452.1 (MANE Select); coding-DNA position 4854, C replaced by T.
Protein change: p.Ser1618=; no amino-acid change (serine 1618 retained).
Molecular consequence: synonymous variant.
Genome position (GRCh38, 1-based): chr3:4,710,336, C>T. VCF-style: chr3-4710336-C-T. GRCh37 (hg19) VCF-style: chr3-4752020-C-T.
Other names: c.4827C>T, p.Ser1609= (NM_001099952.4); c.4809C>T, p.Ser1603= (NM_001168272.2); c.4782C>T, p.Ser1594= (NM_002222.7).
Identifiers: ClinVar variation 345741 (VCV000345741.47), dbSNP rs373127487, ClinGen allele CA2232132.